The following is an entry in ClinVar:

NM_012318.3(LETM1):c.466C>T (p.Arg156Trp)

Gene: LETM1 (leucine zipper and EF-hand containing transmembrane protein 1; minus strand). Cytogenetic location: 4p16.3.
Variant type: single nucleotide variant.
Coding change: c.466C>T on transcript NM_012318.3 (MANE Select); coding-DNA position 466, C replaced by T.
Protein change: p.Arg156Trp; replaces arginine 156 with tryptophan.
Molecular consequence: missense variant.
Genome position (GRCh38, 1-based): chr4:1,841,475, G>A on the plus strand (C>T on the coding strand, the complement: LETM1 is on the minus strand). VCF-style: chr4-1841475-G-A. GRCh37 (hg19) VCF-style: chr4-1843202-G-A.
Other names: short protein forms R156W.
Identifiers: ClinVar variation 2654580 (VCV002654580.24), dbSNP rs745548211, ClinGen allele CA2811622.
Genomic context (GRCh38, chr4:1,841,475, plus strand): 5'-TGGTGTCGATCCATAGCAGGCGGAAGCCATGGTAGTAGTGCTTCAGCTCGTCCAGCACCC[G>A]CTGCCCCAGGGACTTCTTCACCACCACCTCTGCGGGGGGGCTGTACACCGGGCCGCCTTC-3'
Protein context (NP_036450.1, residues 146-166): EVVVKKSLGQ[Arg156Trp]VLDELKHYYH

ClinVar aggregate classification (germline): Likely benign (1 of 4 stars; one submission).

Allele frequency attached by ClinVar (database versions not stated): TOPMed 0.00003; ExAC 0.00001; gnomAD exomes 0.00002; gnomAD 0.00003.

Submission:

CeGaT Center for Human Genetics Tuebingen
Classification: Likely benign. Last evaluated: 2022-11-01. Review status: criteria provided, single submitter. Criteria: CeGaT Center For Human Genetics Tuebingen Variant Classification Criteria Version 2. Collection method: clinical testing. Allele origin: germline. Affected: yes. Observed: 1 variant allele.
Comment: LETM1: BP4